The following is an entry in ClinVar:

ClinVar aggregate classification (germline): Uncertain significance. Review status: criteria provided, multiple submitters, no conflicts (2 of 4 stars). 2 submissions from 2 submitters: Uncertain significance (2). Last evaluated 2025-11-29.

Conditions:
Hereditary cancer-predisposing syndrome. Also called: Tumor predisposition; Neoplastic Syndromes, Hereditary; Hereditary neoplastic syndrome; Hereditary Cancer Syndrome. Identifiers: Orphanet 140162, MedGen C0027672, MeSH D009386, MONDO:0015356.
BAP1-related tumor predisposition syndrome (TPDS1). Also called: COMMON Syndrome; Tumor susceptibility linked to germline BAP1 mutations; TUMOR PREDISPOSITION SYNDROME 1; BAP1 tumor predisposition syndrome. Identifiers: Orphanet 289539, MedGen C3280492, MONDO:0013692, OMIM 614327.

gnomAD v4.1: 1 of 1,614,152 alleles (0.000062%); no homozygotes.

Submissions (2):

Ambry Genetics
Classification: Uncertain significance for Hereditary cancer-predisposing syndrome. Last evaluated: 2025-11-29. Review status: criteria provided, single submitter. Criteria: Ambry Variant Classification Scheme 2023. Collection method: clinical testing. Allele origin: germline.
Comment: The p.T524I variant (also known as c.1571C>T), located in coding exon 13 of the BAP1 gene, results from a C to T substitution at nucleotide position 1571. The threonine at codon 524 is replaced by isoleucine, an amino acid with similar properties. This amino acid position is conserved. In addition, the in silico prediction for this alteration is inconclusive. Based on the available evidence, the clinical significance of this variant remains unclear.

Labcorp Genetics (formerly Invitae), Labcorp
Classification: Uncertain significance for BAP1-related tumor predisposition syndrome. Last evaluated: 2019-10-30. Review status: criteria provided, single submitter. Criteria: Invitae Variant Classification Sherloc (09022015). Collection method: clinical testing. Allele origin: germline.
Comment: This sequence change replaces threonine with isoleucine at codon 524 of the BAP1 protein (p.Thr524Ile). The threonine residue is highly conserved and there is a moderate physicochemical difference between threonine and isoleucine. This variant is not present in population databases (ExAC no frequency). This variant has not been reported in the literature in individuals with BAP1-related conditions. Algorithms developed to predict the effect of missense changes on protein structure and function are either unavailable or do not agree on the potential impact of this missense change (SIFT: "Deleterious"; PolyPhen-2: "Possibly Damaging"; Align-GVGD: "Class C0"). In summary, the available evidence is currently insufficient to determine the role of this variant in disease. Therefore, it has been classified as a Variant of Uncertain Significance.

NM_004656.4(BAP1):c.1571C>T (p.Thr524Ile)

Gene: BAP1 (BRCA1 associated deubiquitinase 1; minus strand). Cytogenetic location: 3p21.1.
Variant type: single nucleotide variant.
Coding change: c.1571C>T on transcript NM_004656.4 (MANE Select); coding-DNA position 1571, C replaced by T.
Protein change: p.Thr524Ile; replaces threonine 524 with isoleucine.
Molecular consequence: missense variant.
Genome position (GRCh38, 1-based): chr3:52,403,574, G>A on the plus strand (C>T on the coding strand, the complement: BAP1 is on the minus strand). VCF-style: chr3-52403574-G-A. GRCh37 (hg19) VCF-style: chr3-52437590-G-A.
Other names: c.1571C>T (NM_004656.2); short protein forms T524I.
Identifiers: ClinVar variation 851167 (VCV000851167.8), dbSNP rs1559586598, ClinGen allele CA353100626.